The following is an entry in ClinVar:

ClinVar aggregate classification (germline): Uncertain significance (1 of 4 stars; one submission).

Conditions:
Developmental and epileptic encephalopathy, 36 (DEE36). Also called: Epileptic encephalopathy, early infantile, 36; Congenital disorder of glycosylation, type Is; ALG13-CDG. Identifiers: Orphanet 324422, MedGen C4317295, MONDO:0010472, OMIM 300884.

Submission:

Diagnostics Services (NGS), CSIR - Centre For Cellular And Molecular Biology
Classification: Uncertain significance for Developmental and epileptic encephalopathy, 36. Last evaluated: 2023-07-20. Review status: criteria provided, single submitter. Criteria: ACMG Guidelines, 2015. Collection method: clinical testing. Allele origin: unknown. Affected: yes. Observed: 1 variant allele, 1 heterozygote.
Comment: The c.2T>C variant is not present in publicly available population databases like 1000 Genomes, ExAC, EVS, gnomAD, Indian Exome Database or our in-house exome database. This variant has neither been published in literature nor reported to clinical databases like in ClinVar, Human Gene Mutation Database (HGMD) or OMIM, in any affected individuals. In silico pathogenicity prediction programs like SIFT, Polyphen-2, MutationTaster2, CADD, Varsome etc predicted this variant to be likely deleterious, however these predictions were not confirmed by published functional studies.

NM_001099922.3(ALG13):c.314T>C (p.Met105Thr)

Gene: ALG13 (ALG13 UDP-N-acetylglucosaminyltransferase subunit; plus strand). Cytogenetic location: Xq23.
Variant type: single nucleotide variant.
Coding change: c.314T>C on transcript NM_001099922.3 (MANE Select); coding-DNA position 314, T replaced by C.
Protein change: p.Met105Thr; replaces methionine 105 with threonine.
Molecular consequence: missense variant. On other transcripts: synonymous variant (1), initiator codon variant (9), non-coding transcript variant (3).
Genome position (GRCh38, 1-based): chrX:111,685,034, T>C. VCF-style: chrX-111685034-T-C. GRCh37 (hg19) VCF-style: chrX-110928262-T-C.
Other names: c.255T>C, p.Asp85= (NM_001039210.5); c.314T>C, p.Met105Thr (NM_001168385.3, NM_001324292.2, NM_018466.6); c.2T>C, p.Met1Thr (NM_001257230.2, NM_001257234.2, NM_001257235.3 and 6 more transcripts); c.80T>C, p.Met27Thr (NM_001257231.2, NM_001257241.3); c.320T>C, p.Met107Thr (NM_001324290.2); short protein forms M105T, M107T, M1T, M27T.
Identifiers: ClinVar variation 2573202 (VCV002573202.2), dbSNP rs2525131302, ClinGen allele CA414248681.